The following is an entry in ClinVar:

ClinVar aggregate classification (germline): Uncertain significance (1 of 4 stars; one submission).

Conditions:
Inborn genetic diseases. Identifiers: MedGen C0950123, MeSH D030342.

gnomAD v4.1: 5 of 1,613,112 alleles (0.00031%); highest among the groups gnomAD compares: Non-Finnish European, 0.00042%; no homozygotes.

Submission:

Ambry Genetics
Classification: Uncertain significance for Inborn genetic diseases. Last evaluated: 2025-09-10. Review status: criteria provided, single submitter. Criteria: Ambry Variant Classification Scheme 2023. Collection method: clinical testing. Allele origin: germline.
Comment: The p.Q872R variant (also known as c.2615A>G), located in coding exon 21 of the KDM1A gene, results from an A to G substitution at nucleotide position 2615. The glutamine at codon 872 is replaced by arginine, an amino acid with highly similar properties. This amino acid position is conserved. In addition, the in silico prediction for this alteration is inconclusive. Based on the available evidence, the clinical significance of this variant remains unclear.

NM_001009999.3(KDM1A):c.2615A>G (p.Gln872Arg)

Gene: KDM1A (lysine demethylase 1A; plus strand). Cytogenetic location: 1p36.12.
Variant type: single nucleotide variant.
Coding change: c.2615A>G on transcript NM_001009999.3 (MANE Select); coding-DNA position 2615, A replaced by G.
Protein change: p.Gln872Arg; replaces glutamine 872 with arginine.
Molecular consequence: missense variant. On other transcripts: 3 prime UTR variant (1).
Genome position (GRCh38, 1-based): chr1:23,083,348, A>G. VCF-style: chr1-23083348-A-G. GRCh37 (hg19) VCF-style: chr1-23409841-A-G.
Other names: c.2561A>G, p.Gln854Arg (NM_001363654.2); c.2621A>G, p.Gln874Arg (NM_001410762.1); c.*863A>G (NM_001410763.1); c.2543A>G, p.Gln848Arg (NM_015013.4); short protein forms Q848R, Q872R, Q874R, Q854R.
Identifiers: ClinVar variation 4091112 (VCV004091112.1).
Genomic context (GRCh38, chr1:23,083,348, plus strand): 5'-AGTTTTTGGGGGCCATGTATACGCTGCCTCGCCAGGCCACACCAGGTGTTCCTGCACAGC[A>G]GTCCCCAAGCATGTGAGACAGATGCATTCTAAGGGAAGAGGCCCATGTGCCTGTTTCTGC-3'
Protein context (NP_001009999.1, residues 862-876): RQATPGVPAQ[Gln872Arg]SPSM